The following is an entry in ClinVar:

ClinVar aggregate classification (germline): Uncertain significance (1 of 4 stars; one submission).

Conditions:
Hereditary cancer-predisposing syndrome. Also called: Neoplastic Syndromes, Hereditary; Tumor predisposition; Hereditary Cancer Syndrome; Hereditary neoplastic syndrome. Identifiers: Orphanet 140162, MedGen C0027672, MeSH D009386, MONDO:0015356.

Submission:

Ambry Genetics
Classification: Uncertain significance for Hereditary cancer-predisposing syndrome. Last evaluated: 2017-07-31. Review status: criteria provided, single submitter. Criteria: Ambry Variant Classification Scheme 2023. Collection method: clinical testing. Allele origin: germline.
Comment: The p.K1332Q variant (also known as c.3994A>C), located in coding exon 28 of the SMARCA4 gene, results from an A to C substitution at nucleotide position 3994. The lysine at codon 1332 is replaced by glutamine, an amino acid with similar properties. This amino acid position is well conserved in available vertebrate species. In addition, this alteration is predicted to be tolerated by in silico analysis. Since supporting evidence is limited at this time, the clinical significance of this alteration remains unclear.

NM_003072.5(SMARCA4):c.3994A>C (p.Lys1332Gln)

Gene: SMARCA4 (SWI/SNF related BAF chromatin remodeling complex subunit ATPase 4; plus strand). Cytogenetic location: 19p13.2.
Variant type: single nucleotide variant.
Coding change: c.3994A>C on transcript NM_003072.5 (MANE Select); coding-DNA position 3994, A replaced by C.
Protein change: p.Lys1332Gln; replaces lysine 1332 with glutamine.
Molecular consequence: missense variant. On other transcripts: non-coding transcript variant (1).
Genome position (GRCh38, 1-based): chr19:11,034,956, A>C. VCF-style: chr19-11034956-A-C. GRCh37 (hg19) VCF-style: chr19-11145632-A-C.
Other names: c.3994A>C, p.Lys1332Gln (NM_001128844.3, NM_001128849.3, NM_001387283.1); c.3895A>C, p.Lys1299Gln (NM_001128845.2, NM_001128846.2, NM_001128847.4 and 2 more transcripts); short protein forms K1332Q, K1299Q.
Identifiers: ClinVar variation 484982 (VCV000484982.5), dbSNP rs1555785368, ClinGen allele CA404068071.